The following is an entry in ClinVar:

ClinVar aggregate classification (germline): Uncertain significance (1 of 4 stars; one submission).

Conditions:
Hereditary cancer-predisposing syndrome. Also called: Hereditary Cancer Syndrome; Hereditary neoplastic syndrome; Neoplastic Syndromes, Hereditary; Tumor predisposition. Identifiers: Orphanet 140162, MedGen C0027672, MeSH D009386, MONDO:0015356.

Allele frequency attached by ClinVar (database versions not stated): gnomAD exomes below 0.00001; TOPMed below 0.00001.
gnomAD v4.1: 1 of 1,613,784 alleles (0.000062%); highest among the groups gnomAD compares: Non-Finnish European, 0.000085%; no homozygotes.

Submission:

Ambry Genetics
Classification: Uncertain significance for Hereditary cancer-predisposing syndrome. Last evaluated: 2024-11-08. Review status: criteria provided, single submitter. Criteria: Ambry Variant Classification Scheme 2023. Collection method: clinical testing. Allele origin: germline.
Comment: The p.N468D variant (also known as c.1402A>G), located in coding exon 11 of the POT1 gene, results from an A to G substitution at nucleotide position 1402. The asparagine at codon 468 is replaced by aspartic acid, an amino acid with highly similar properties. This amino acid position is not well conserved in available vertebrate species, and aspartic acid is the reference amino acid in other vertebrate species. In addition, this alteration is predicted to be tolerated by in silico analysis. Since supporting evidence is limited at this time, the clinical significance of this alteration remains unclear.

NM_015450.3(POT1):c.1402A>G (p.Asn468Asp)

Gene: POT1 (protection of telomeres 1; minus strand). Cytogenetic location: 7q31.33.
Variant type: single nucleotide variant.
Coding change: c.1402A>G on transcript NM_015450.3 (MANE Select); coding-DNA position 1402, A replaced by G.
Protein change: p.Asn468Asp; replaces asparagine 468 with aspartic acid.
Molecular consequence: missense variant. On other transcripts: non-coding transcript variant (3).
Genome position (GRCh38, 1-based): chr7:124,835,382, T>C on the plus strand (A>G on the coding strand, the complement: POT1 is on the minus strand). VCF-style: chr7-124835382-T-C. GRCh37 (hg19) VCF-style: chr7-124475436-T-C.
Other names: c.1009A>G, p.Asn337Asp (NM_001042594.2); short protein forms N337D, N468D.
Identifiers: ClinVar variation 1771831 (VCV001771831.3), dbSNP rs1794874700, ClinGen allele CA369065902.